The following is an entry in ClinVar:

ClinVar aggregate classification (germline): Uncertain significance. Review status: criteria provided, multiple submitters, no conflicts (2 of 4 stars). 2 submissions from 2 submitters: Uncertain significance (2). Last evaluated 2025-07-15.

Conditions:
Inborn genetic diseases. Identifiers: MedGen C0950123, MeSH D030342.

Allele frequency attached by ClinVar (database versions not stated): gnomAD exomes below 0.00001; ExAC 0.00002.
gnomAD v4.1: 4 of 1,614,058 alleles (0.00025%); highest among the groups gnomAD compares: Non-Finnish European, 0.00034%; no homozygotes.

Submissions (2):

Ambry Genetics
Classification: Uncertain significance for Inborn genetic diseases. Last evaluated: 2025-07-15. Review status: criteria provided, single submitter. Criteria: Ambry Variant Classification Scheme 2023. Collection method: clinical testing. Allele origin: germline.

Labcorp Genetics (formerly Invitae), Labcorp
Classification: Uncertain significance. Last evaluated: 2023-12-14. Review status: criteria provided, single submitter. Criteria: Invitae Variant Classification Sherloc (09022015). Collection method: clinical testing. Allele origin: germline.
Comment: This sequence change replaces threonine, which is neutral and polar, with serine, which is neutral and polar, at codon 635 of the ITGB3 protein (p.Thr635Ser). This variant is present in population databases (rs753524011, gnomAD 0.002%). This variant has not been reported in the literature in individuals affected with ITGB3-related conditions. Advanced modeling of protein sequence and biophysical properties (such as structural, functional, and spatial information, amino acid conservation, physicochemical variation, residue mobility, and thermodynamic stability) performed at Invitae indicates that this missense variant is not expected to disrupt ITGB3 protein function with a negative predictive value of 80%. In summary, the available evidence is currently insufficient to determine the role of this variant in disease. Therefore, it has been classified as a Variant of Uncertain Significance.

NM_000212.3(ITGB3):c.1904C>G (p.Thr635Ser)

Gene: ITGB3 (integrin subunit beta 3; plus strand). Cytogenetic location: 17q21.32.
Variant type: single nucleotide variant.
Coding change: c.1904C>G on transcript NM_000212.3 (MANE Select); coding-DNA position 1904, C replaced by G.
Protein change: p.Thr635Ser; replaces threonine 635 with serine.
Molecular consequence: missense variant.
Genome position (GRCh38, 1-based): chr17:47,299,521, C>G. VCF-style: chr17-47299521-C-G. GRCh37 (hg19) VCF-style: chr17-45376887-C-G.
Other names: short protein forms T635S.
Identifiers: ClinVar variation 2976805 (VCV002976805.4), dbSNP rs753524011, ClinGen allele CA8623375.